The following is an entry in ClinVar:

NM_030632.3(ASXL3):c.5645A>G (p.His1882Arg)

Gene: ASXL3 (ASXL transcriptional regulator 3; plus strand). Cytogenetic location: 18q12.1.
Variant type: single nucleotide variant.
Coding change: c.5645A>G on transcript NM_030632.3 (MANE Select); coding-DNA position 5645, A replaced by G.
Protein change: p.His1882Arg; replaces histidine 1882 with arginine.
Molecular consequence: missense variant.
Genome position (GRCh38, 1-based): chr18:33,745,493, A>G. VCF-style: chr18-33745493-A-G. GRCh37 (hg19) VCF-style: chr18-31325457-A-G.
Other names: short protein forms H1882R.
Identifiers: ClinVar variation 3375843 (VCV003375843.1).

ClinVar aggregate classification (germline): Uncertain significance (1 of 4 stars; one submission).

Submission:

GeneDx
Classification: Uncertain significance. Last evaluated: 2024-05-03. Review status: criteria provided, single submitter. Criteria: GeneDx Variant Classification Process June 2021. Collection method: clinical testing. Allele origin: germline. Affected: yes.
Comment: Not observed at significant frequency in large population cohorts (gnomAD); In silico analysis indicates that this missense variant does not alter protein structure/function; Has not been previously published as pathogenic or benign to our knowledge